The following is an entry in ClinVar:

ClinVar aggregate classification (germline): Benign. Review status: criteria provided, multiple submitters, no conflicts (2 of 4 stars). 2 submissions from 2 submitters: Benign (2). Last evaluated 2018-06-19.

Allele frequency attached by ClinVar (database versions not stated): gnomAD exomes 0.02455; 1000 Genomes Project 0.03295; 1000 Genomes Project 30x 0.03498; gnomAD 0.03594 and 0.03686; TOPMed 0.04034.
gnomAD v4.1: 32,972 of 1,258,736 alleles (2.6%); highest among the groups gnomAD compares: Middle Eastern, 7.7%; 626 homozygotes.

Submissions (2):

GeneDx
Classification: Benign. Last evaluated: 2018-06-19. Review status: criteria provided, single submitter. Criteria: GeneDx Variant Classification (06012015). Collection method: clinical testing. Allele origin: germline. Affected: yes.
Comment: This variant is considered likely benign or benign based on one or more of the following criteria: it is a conservative change, it occurs at a poorly conserved position in the protein, it is predicted to be benign by multiple in silico algorithms, and/or has population frequency not consistent with disease.

Breakthrough Genomics
Classification: Benign. Review status: criteria provided, single submitter. Criteria: ACMG Guidelines, 2015. Collection method: not provided. Allele origin: germline. Inheritance: Autosomal dominant inheritance. Affected: yes.

NM_020822.3(KCNT1):c.2349+59T>C

Gene: KCNT1 (potassium sodium-activated channel subfamily T member 1; plus strand). Cytogenetic location: 9q34.3.
Variant type: single nucleotide variant.
Coding change: c.2349+59T>C on transcript NM_020822.3 (MANE Select); 59 bases into the intron after coding-DNA position 2349, T replaced by C.
Molecular consequence: intron variant.
Genome position (GRCh38, 1-based): chr9:135,775,474, T>C. VCF-style: chr9-135775474-T-C. GRCh37 (hg19) VCF-style: chr9-138667320-T-C.
Other names: c.2214+59T>C (NM_001272003.2).
Identifiers: ClinVar variation 682427 (VCV000682427.2), dbSNP rs78752353, ClinGen allele CA201476201.
Genomic context (GRCh38, chr9:135,775,474, plus strand): 5'-AGGTAAGGCTGGCGGCTCTGCCGCGCTCTGCACCCCCAGACGCCAGCACCGGGCCGTGCA[T>C]ACCTGCCCTGGTTTCTCTTTGGTCACTTTACATTTCGATACCATTGCAAACTTCTAGCAC-3'